The following is an entry in ClinVar:

ClinVar aggregate classification (germline): Uncertain significance (1 of 4 stars; one submission).

Conditions:
Multiple endocrine neoplasia, type 1 (MEN1). Also called: MEN I; WERMER SYNDROME; Endocrine adenomatosis multiple; MEN 1; MEA I. Identifiers: Orphanet 652, MedGen C0025267, MeSH D018761, MONDO:0007540, OMIM 131100.

Submission:

Labcorp Genetics (formerly Invitae), Labcorp
Classification: Uncertain significance for Multiple endocrine neoplasia, type 1. Last evaluated: 2021-10-14. Review status: criteria provided, single submitter. Criteria: Invitae Variant Classification Sherloc (09022015). Collection method: clinical testing. Allele origin: germline.
Comment: This sequence change replaces proline with serine at codon 595 of the MEN1 protein (p.Pro595Ser). The proline residue is moderately conserved and there is a moderate physicochemical difference between proline and serine. This variant is not present in population databases (ExAC no frequency). This variant has not been reported in the literature in individuals affected with MEN1-related conditions. Advanced modeling of protein sequence and biophysical properties (such as structural, functional, and spatial information, amino acid conservation, physicochemical variation, residue mobility, and thermodynamic stability) performed at Invitae indicates that this missense variant is not expected to disrupt MEN1 protein function. In summary, the available evidence is currently insufficient to determine the role of this variant in disease. Therefore, it has been classified as a Variant of Uncertain Significance.

NM_001370259.2(MEN1):c.1783C>T (p.Pro595Ser)

Gene: MEN1 (menin 1; minus strand). Cytogenetic location: 11q13.1.
Variant type: single nucleotide variant.
Coding change: c.1783C>T on transcript NM_001370259.2 (MANE Select); coding-DNA position 1783, C replaced by T.
Protein change: p.Pro595Ser; replaces proline 595 with serine.
Molecular consequence: missense variant.
Genome position (GRCh38, 1-based): chr11:64,804,384, G>A on the plus strand (C>T on the coding strand, the complement: MEN1 is on the minus strand). VCF-style: chr11-64804384-G-A. GRCh37 (hg19) VCF-style: chr11-64571856-G-A.
Other names: c.1909C>T, p.Pro637Ser (NM_001370251.2); c.1783C>T, p.Pro595Ser (NM_001370260.2, NM_001370261.2, NM_130799.3); c.1678C>T, p.Pro560Ser (NM_001370262.2, NM_001370263.2); c.1798C>T, p.Pro600Ser (NM_130800.3, NM_130801.3, NM_130802.3 and 3 more transcripts); short protein forms P595S, P560S, P600S, P637S.
Identifiers: ClinVar variation 1496704 (VCV001496704.6), dbSNP rs2136077722, ClinGen allele CA381177309.